The following is an entry in ClinVar:

NM_000088.4(COL1A1):c.1186G>T (p.Ala396Ser)

Gene: COL1A1 (collagen type I alpha 1 chain; minus strand). Cytogenetic location: 17q21.33.
Variant type: single nucleotide variant.
Coding change: c.1186G>T on transcript NM_000088.4 (MANE Select); coding-DNA position 1186, G replaced by T.
Protein change: p.Ala396Ser; replaces alanine 396 with serine.
Molecular consequence: missense variant.
Genome position (GRCh38, 1-based): chr17:50,195,448, C>A on the plus strand (G>T on the coding strand, the complement: COL1A1 is on the minus strand). VCF-style: chr17-50195448-C-A. GRCh37 (hg19) VCF-style: chr17-48272809-C-A.
Other names: short protein forms A396S.
Identifiers: ClinVar variation 4869110 (VCV004869110.2).

ClinVar aggregate classification (germline): Uncertain significance. Review status: criteria provided, multiple submitters, no conflicts (2 of 4 stars). 2 submissions from 2 submitters: Uncertain significance (2). Last evaluated 2026-04-27.

Conditions:
Cardiovascular phenotype. Identifiers: MedGen CN230736.

gnomAD v4.1: 1 of 1,614,008 alleles (0.000062%); highest among the groups gnomAD compares: African/African-American, 0.0013%; no homozygotes.

Submissions (2):

Ambry Genetics
Classification: Uncertain significance for Cardiovascular phenotype. Last evaluated: 2026-04-27. Review status: criteria provided, single submitter. Criteria: Ambry Variant Classification Scheme 2023. Collection method: clinical testing. Allele origin: germline.
Comment: The p.A396S variant (also known as c.1186G>T), located in coding exon 18 of the COL1A1 gene, results from a G to T substitution at nucleotide position 1186. The alanine at codon 396 is replaced by serine, an amino acid with similar properties. This amino acid position is conserved. In addition, the in silico prediction for this alteration is inconclusive. Based on the available evidence, the clinical significance of this variant remains unclear.

GeneDx
Classification: Uncertain significance. Last evaluated: 2026-03-26. Review status: criteria provided, single submitter. Criteria: GeneDx Variant Classification Process June 2021. Collection method: clinical testing. Allele origin: germline.
Comment: Not observed at significant frequency in large population cohorts (gnomAD); In silico analysis suggests that this missense variant does not alter protein structure/function; Has not been previously published as pathogenic or benign to our knowledge; Occurs in the triple helical domain at the X position in the canonical Gly-X-Y repeat; although this variant may have an effect on normal protein folding and function, missense substitution at the X position is not a common mechanism of disease (HGMD)